The following is an entry in ClinVar:

ClinVar aggregate classification (germline): Pathogenic (1 of 4 stars; one submission).

Conditions:
Duchenne muscular dystrophy (DMD). Also called: MUSCULAR DYSTROPHY, PSEUDOHYPERTROPHIC PROGRESSIVE, DUCHENNE TYPE; Duchenne Muscular Dystrophy (DMD). Identifiers: Orphanet 98896, MedGen C0013264, MONDO:0010679, OMIM 310200.

Submission:

Labcorp Genetics (formerly Invitae), Labcorp
Classification: Pathogenic for Duchenne muscular dystrophy. Last evaluated: 2022-09-03. Review status: criteria provided, single submitter. Criteria: Invitae Variant Classification Sherloc (09022015). Collection method: clinical testing. Allele origin: germline.
Comment: This sequence change creates a premature translational stop signal (p.Thr69Glnfs*6) in the DMD gene. It is expected to result in an absent or disrupted protein product. Loss-of-function variants in DMD are known to be pathogenic (PMID: 16770791, 25007885). This variant is not present in population databases (gnomAD no frequency). This variant has not been reported in the literature in individuals affected with DMD-related conditions. For these reasons, this variant has been classified as Pathogenic.

Literature cited by the submitters: PubMed 16770791; PubMed 25007885.

NM_004006.3(DMD):c.205del (p.Thr69fs)

Gene: DMD (dystrophin; minus strand). Cytogenetic location: Xp21.1.
Variant type: Deletion.
Coding change: c.205del on transcript NM_004006.3 (MANE Select); coding-DNA position 205, one base deleted (A; older notation c.205delA).
Protein change: p.Thr69fs; shifts the reading frame from threonine 69.
Molecular consequence: frameshift variant. On other transcripts: 5 prime UTR variant (1).
Genome position (GRCh38, 1-based): chrX:32,844,842, T deleted on the plus strand (A on the coding strand, the reverse complement: DMD is on the minus strand). VCF-style (leftmost placement, unchanged base first): chrX-32844841-GT-G. GRCh37 (hg19) VCF-style: chrX-32862958-GT-G.
Other names: c.181del, p.Thr61fs (NM_000109.4); c.193del, p.Thr65fs (NM_004009.3); c.-165del (NM_004010.3); short protein forms T61fs, T69fs, T65fs.
Identifiers: ClinVar variation 2028847 (VCV002028847.4), dbSNP rs2524853993, ClinGen allele CA2573332568.